The following is an entry in ClinVar:

NM_198525.3(KIF7):c.2718+19C>T

Gene: KIF7 (kinesin family member 7; minus strand). Cytogenetic location: 15q26.1.
Variant type: single nucleotide variant.
Coding change: c.2718+19C>T on transcript NM_198525.3 (MANE Select); 19 bases into the intron after coding-DNA position 2718, C replaced by T.
Molecular consequence: intron variant.
Genome position (GRCh38, 1-based): chr15:89,633,122, G>A on the plus strand (C>T on the coding strand, the complement: KIF7 is on the minus strand). VCF-style: chr15-89633122-G-A. GRCh37 (hg19) VCF-style: chr15-90176353-G-A.
Identifiers: ClinVar variation 512368 (VCV000512368.11), dbSNP rs200126841, ClinGen allele CA7728034.

ClinVar aggregate classification (germline): Benign/Likely benign. Review status: criteria provided, multiple submitters, no conflicts (2 of 4 stars). 3 submissions from 3 submitters: Benign (1); Likely benign (2). Last evaluated 2026-01-05.

Conditions:
Acrocallosal syndrome (ACLS). Also called: Schinzel syndrome 1; Absence of corpus callosum with unusual facial appearance, mental deficiency, duplication of the halluces and polydactyly; HALLUX DUPLICATION, POSTAXIAL POLYDACTYLY, AND ABSENCE OF CORPUS CALLOSUM. Identifiers: Orphanet 36, MedGen C0796147, MONDO:0008708, OMIM 200990.

Allele frequency attached by ClinVar (database versions not stated): ExAC 0.00045; gnomAD exomes 0.00048; ESP Exome Variant Server 0.00131; gnomAD 0.00149 and 0.00152; TOPMed 0.00155; 1000 Genomes Project 30x 0.00219; 1000 Genomes Project 0.00240.
gnomAD v4.1: 551 of 1,601,628 alleles (0.034%); highest among the groups gnomAD compares: African/African-American, 0.47%; 2 homozygotes.

Submissions (3):

Labcorp Genetics (formerly Invitae), Labcorp
Classification: Benign for Acrocallosal syndrome. Last evaluated: 2026-01-05. Review status: criteria provided, single submitter. Criteria: Invitae Variant Classification Sherloc (09022015). Collection method: clinical testing. Allele origin: germline.

Blueprint Genetics
Classification: Likely benign. Last evaluated: 2024-08-06. Review status: criteria provided, single submitter. Criteria: ACMG Guidelines, 2015. Collection method: clinical testing. Allele origin: germline.

GeneDx
Classification: Likely benign. Last evaluated: 2017-09-28. Review status: criteria provided, single submitter. Criteria: GeneDx Variant Classification (06012015). Collection method: clinical testing. Allele origin: germline. Affected: yes.
Comment: This variant is considered likely benign or benign based on one or more of the following criteria: it is a conservative change, it occurs at a poorly conserved position in the protein, it is predicted to be benign by multiple in silico algorithms, and/or has population frequency not consistent with disease.